The following is an entry in ClinVar:

ClinVar aggregate classification (germline): Uncertain significance (1 of 4 stars; one submission).

Conditions:
EFEMP1-related disorder. Also called: EFEMP1-related condition.

gnomAD v4.1: 15 of 1,612,376 alleles (0.00093%); highest among the groups gnomAD compares: Non-Finnish European, 0.0012%; no homozygotes.

Submission:

PreventionGenetics, part of Exact Sciences
Classification: Uncertain significance for EFEMP1-related condition. Last evaluated: 2026-09-09. Review status: criteria provided, single submitter. Criteria: ACMG Guidelines, 2015. Collection method: clinical testing. Allele origin: germline.
Comment: The EFEMP1 c.852G>T variant is predicted to result in the amino acid substitution p.Glu284Asp. To our knowledge, this variant has not been reported in the literature. This variant is reported in 0.0026% of alleles in individuals of European (Non-Finnish) descent in gnomAD. At this time, the clinical significance of this variant is uncertain due to the absence of conclusive functional and genetic evidence.

NM_001039348.3(EFEMP1):c.852G>T (p.Glu284Asp)

Gene: EFEMP1 (EGF-like fibulin extracellular matrix protein 1; minus strand). Cytogenetic location: 2p16.1.
Variant type: single nucleotide variant.
Coding change: c.852G>T on transcript NM_001039348.3 (MANE Select); coding-DNA position 852, G replaced by T.
Protein change: p.Glu284Asp; replaces glutamic acid 284 with aspartic acid.
Molecular consequence: missense variant.
Genome position (GRCh38, 1-based): chr2:55,876,651, C>A on the plus strand (G>T on the coding strand, the complement: EFEMP1 is on the minus strand). VCF-style: chr2-55876651-C-A. GRCh37 (hg19) VCF-style: chr2-56103786-C-A.
Other names: c.852G>T, p.Glu284Asp (NM_001039349.3); short protein forms E284D.
Identifiers: ClinVar variation 4996313 (VCV004996313.1).